The following is an entry in ClinVar:

ClinVar aggregate classification (germline): Uncertain significance. Review status: criteria provided, multiple submitters, no conflicts (2 of 4 stars). 2 submissions from 2 submitters: Uncertain significance (2). Last evaluated 2025-10-30.

Conditions:
Cranium bifidum occultum. Also called: CATLIN MARKS; Enlarged Parietal Foramina; CRANIUM BIFIDUM, HEREDITARY. Identifiers: MedGen C1868598, HP:0004423.
Inborn genetic diseases. Identifiers: MedGen C0950123, MeSH D030342.

Allele frequency attached by ClinVar (database versions not stated): gnomAD 0.00001; gnomAD exomes 0.00002 and below 0.00001; TOPMed below 0.00001; ExAC 0.00001.

Submissions (2):

Ambry Genetics
Classification: Uncertain significance for Inborn genetic diseases. Last evaluated: 2025-10-30. Review status: criteria provided, single submitter. Criteria: Ambry Variant Classification Scheme 2023. Collection method: clinical testing. Allele origin: germline.
Comment: The c.428G>A (p.R143Q) alteration is located in exon 2 (coding exon 2) of the MSX2 gene. This alteration results from a G to A substitution at nucleotide position 428, causing the arginine (R) at amino acid position 143 to be replaced by a glutamine (Q). Based on data from gnomAD, the A allele has an overall frequency of 0.002% (4/251398) total alleles studied. The highest observed frequency was 0.005% (1/18392) of East Asian alleles. Based on insufficient or conflicting evidence, the clinical significance of this alteration remains unclear.

Labcorp Genetics (formerly Invitae), Labcorp
Classification: Uncertain significance for Cranium bifidum occultum. Last evaluated: 2024-10-23. Review status: criteria provided, single submitter. Criteria: Invitae Variant Classification Sherloc (09022015). Collection method: clinical testing. Allele origin: germline.
Comment: This sequence change replaces arginine, which is basic and polar, with glutamine, which is neutral and polar, at codon 143 of the MSX2 protein (p.Arg143Gln). This variant is present in population databases (rs751060486, gnomAD 0.003%). This variant has not been reported in the literature in individuals affected with MSX2-related conditions. This missense change has been observed in at least one individual who was not affected with MSX2-related conditions (internal data). ClinVar contains an entry for this variant (Variation ID: 1498203). Invitae Evidence Modeling of protein sequence and biophysical properties (such as structural, functional, and spatial information, amino acid conservation, physicochemical variation, residue mobility, and thermodynamic stability) indicates that this missense variant is expected to disrupt MSX2 protein function with a positive predictive value of 80%. In summary, the available evidence is currently insufficient to determine the role of this variant in disease. Therefore, it has been classified as a Variant of Uncertain Significance.

NM_002449.5(MSX2):c.428G>A (p.Arg143Gln)

Gene: MSX2 (msh homeobox 2; plus strand). Cytogenetic location: 5q35.2.
Variant type: single nucleotide variant.
Coding change: c.428G>A on transcript NM_002449.5 (MANE Select); coding-DNA position 428, G replaced by A.
Protein change: p.Arg143Gln; replaces arginine 143 with glutamine.
Molecular consequence: missense variant. On other transcripts: 3 prime UTR variant (1).
Genome position (GRCh38, 1-based): chr5:174,729,207, G>A. VCF-style: chr5-174729207-G-A. GRCh37 (hg19) VCF-style: chr5-174156210-G-A.
Other names: c.*52G>A (NM_001363626.2); c.428G>A (NM_002449.4); short protein forms R143Q.
Identifiers: ClinVar variation 1498203 (VCV001498203.9), dbSNP rs751060486, ClinGen allele CA3565202.